The following is an entry in ClinVar:

NM_052845.4(MMAB):c.348+147G>A

Gene: MMAB (metabolism of cobalamin associated B; minus strand). Cytogenetic location: 12q24.11.
Variant type: single nucleotide variant.
Coding change: c.348+147G>A on transcript NM_052845.4 (MANE Select); 147 bases into the intron after coding-DNA position 348, G replaced by A.
Molecular consequence: intron variant.
Genome position (GRCh38, 1-based): chr12:109,564,972, C>T on the plus strand (G>A on the coding strand, the complement: MMAB is on the minus strand). VCF-style: chr12-109564972-C-T. GRCh37 (hg19) VCF-style: chr12-110002777-C-T.
Identifiers: ClinVar variation 676152 (VCV000676152.2), dbSNP rs10850379, ClinGen allele CA15725259.

ClinVar aggregate classification (germline): Benign. Review status: criteria provided, multiple submitters, no conflicts (2 of 4 stars). 2 submissions from 2 submitters: Benign (2). Last evaluated 2018-06-19.

Allele frequency attached by ClinVar (database versions not stated): 1000 Genomes Project 0.34105; 1000 Genomes Project 30x 0.34822; TOPMed 0.39905; gnomAD 0.40042 and 0.40515; gnomAD exomes 0.40753.
gnomAD v4.1: 318,221 of 782,734 alleles (41%); highest among the groups gnomAD compares: Middle Eastern, 47%; 66,568 homozygotes.

Submissions (2):

GeneDx
Classification: Benign. Last evaluated: 2018-06-19. Review status: criteria provided, single submitter. Criteria: GeneDx Variant Classification (06012015). Collection method: clinical testing. Allele origin: germline. Affected: yes.
Comment: This variant is considered likely benign or benign based on one or more of the following criteria: it is a conservative change, it occurs at a poorly conserved position in the protein, it is predicted to be benign by multiple in silico algorithms, and/or has population frequency not consistent with disease.

Breakthrough Genomics
Classification: Benign. Review status: criteria provided, single submitter. Criteria: ACMG Guidelines, 2015. Collection method: not provided. Allele origin: germline. Inheritance: Autosomal recessive inheritance. Affected: yes.